The following is an entry in ClinVar:

NM_000419.5(ITGA2B):c.1879-14A>G

Gene: ITGA2B (integrin subunit alpha 2b; minus strand). Cytogenetic location: 17q21.31.
Variant type: single nucleotide variant.
Coding change: c.1879-14A>G on transcript NM_000419.5 (MANE Select); 14 bases into the intron before coding-DNA position 1879, A replaced by G.
Molecular consequence: intron variant.
Genome position (GRCh38, 1-based): chr17:44,378,724, T>C on the plus strand (A>G on the coding strand, the complement: ITGA2B is on the minus strand). VCF-style: chr17-44378724-T-C. GRCh37 (hg19) VCF-style: chr17-42456092-T-C.
Identifiers: ClinVar variation 1684323 (VCV001684323.2), dbSNP rs1186417459, ClinGen allele CA626121126.

ClinVar aggregate classification (germline): Uncertain significance. Review status: criteria provided, single submitter (1 of 4 stars). 2 submissions from 2 submitters: Uncertain significance (1). 1 of the submissions does not count toward it. Last evaluated 2025-06-06.

Conditions:
Platelet-type bleeding disorder 16 (BDPLT16). Also called: Bleeding disorder, platelet-type, 16, autosomal dominant. Identifiers: Orphanet 140957, MedGen C5442010, MONDO:0008552, OMIM 187800.
Glanzmann thrombasthenia. Also called: Thrombasthenia; PLATELET GLYCOPROTEIN IIb-IIIa DEFICIENCY; BLEEDING DISORDER, PLATELET-TYPE, 2; THROMBASTHENIA OF GLANZMANN AND NAEGELI; Glanzmann's thrombasthenia. Identifiers: Orphanet 849, MedGen C0040015, MONDO:0100326.

Allele frequency attached by ClinVar (database versions not stated): gnomAD exomes 0.00001 and 0.00002; gnomAD 0.00002.
gnomAD v4.1: 27 of 1,553,204 alleles (0.0017%); highest among the groups gnomAD compares: Non-Finnish European, 0.0021%; no homozygotes.

Submissions (2):

Labcorp Genetics (formerly Invitae), Labcorp
Classification: Uncertain significance for Glanzmann thrombasthenia. Last evaluated: 2025-06-06. Review status: criteria provided, single submitter. Criteria: Invitae Variant Classification Sherloc (09022015). Collection method: clinical testing. Allele origin: germline.
Comment: This sequence change falls in intron 18 of the ITGA2B gene. It does not directly change the encoded amino acid sequence of the ITGA2B protein. This variant is present in population databases (no rsID available, gnomAD 0.002%). This variant has not been reported in the literature in individuals affected with ITGA2B-related conditions. ClinVar contains an entry for this variant (Variation ID: 1684323). Algorithms developed to predict the effect of sequence changes on RNA splicing suggest that this variant may disrupt the consensus splice site. In summary, the available evidence is currently insufficient to determine the role of this variant in disease. Therefore, it has been classified as a Variant of Uncertain Significance.

ISTH-SSC Genomics in Thrombosis and Hemostasis, KU Leuven, Center for Molecular and Vascular Biology
Classification: Uncertain significance for Platelet-type bleeding disorder 16. Review status: no assertion criteria provided. Collection method: research. Allele origin: unknown. Affected: yes. Not counted in ClinVar's aggregate classification.
Comment: Submitted to GoldVariant by Dr Karyn Mégy from NIHR Bioresource - Cambridge University, UK